The following is an entry in ClinVar:

ClinVar aggregate classification (germline): Uncertain significance (1 of 4 stars; one submission).

Conditions:
Diastrophic dysplasia (DTD). Also called: Diastrophic dwarfism. Identifiers: Orphanet 628, MedGen C0220726, MONDO:0009107, OMIM 222600.
Atelosteogenesis type II (AO2). Also called: NEONATAL OSSEOUS DYSPLASIA I; Neonatal osseous dysplasia 1; SLC26A2-Related Atelosteogenesis. Identifiers: Orphanet 56304, MedGen C1850554, MONDO:0009727, OMIM 256050.
Multiple epiphyseal dysplasia type 4 (EDM4). Also called: Multiple Epiphyseal Dysplasia, Recessive; MULTIPLE EPIPHYSEAL DYSPLASIA WITH BILAYERED PATELLAE; MULTIPLE EPIPHYSEAL DYSPLASIA WITH CLUBFOOT; MULTIPLE EPIPHYSEAL DYSPLASIA, AUTOSOMAL RECESSIVE; SLC26A2-Related Multiple Epiphyseal Dysplasia. Identifiers: Orphanet 93307, MedGen C1847593, MONDO:0009189, OMIM 226900.
Achondrogenesis, type IB (ACG1B). Also called: Achondrogenesis Type 1B. Identifiers: Orphanet 932, Orphanet 93298, MedGen C0265274, MONDO:0010966, OMIM 600972.

Allele frequency attached by ClinVar (database versions not stated): TOPMed below 0.00001.

Submission:

Labcorp Genetics (formerly Invitae), Labcorp
Classification: Uncertain significance for Atelosteogenesis type II; Multiple epiphyseal dysplasia type 4; Achondrogenesis, type IB; Diastrophic dysplasia. Last evaluated: 2021-12-24. Review status: criteria provided, single submitter. Criteria: Invitae Variant Classification Sherloc (09022015). Collection method: clinical testing. Allele origin: germline.
Comment: This sequence change replaces serine, which is neutral and polar, with leucine, which is neutral and non-polar, at codon 552 of the SLC26A2 protein (p.Ser552Leu). This variant is not present in population databases (gnomAD no frequency). This variant has not been reported in the literature in individuals affected with SLC26A2-related conditions. Advanced modeling of protein sequence and biophysical properties (such as structural, functional, and spatial information, amino acid conservation, physicochemical variation, residue mobility, and thermodynamic stability) performed at Invitae indicates that this missense variant is not expected to disrupt SLC26A2 protein function. In summary, the available evidence is currently insufficient to determine the role of this variant in disease. Therefore, it has been classified as a Variant of Uncertain Significance.

NM_000112.4(SLC26A2):c.1655C>T (p.Ser552Leu)

Gene: SLC26A2 (solute carrier family 26 member 2; plus strand). Cytogenetic location: 5q32.
Variant type: single nucleotide variant.
Coding change: c.1655C>T on transcript NM_000112.4 (MANE Select); coding-DNA position 1655, C replaced by T.
Protein change: p.Ser552Leu; replaces serine 552 with leucine.
Molecular consequence: missense variant.
Genome position (GRCh38, 1-based): chr5:149,981,248, C>T. VCF-style: chr5-149981248-C-T. GRCh37 (hg19) VCF-style: chr5-149360811-C-T.
Other names: short protein forms S552L.
Identifiers: ClinVar variation 1414880 (VCV001414880.5), dbSNP rs1755094376, ClinGen allele CA361708328.